The following is an entry in ClinVar:

ClinVar aggregate classification (germline): Uncertain significance. Review status: criteria provided, multiple submitters, no conflicts (2 of 4 stars). 2 submissions from 2 submitters: Uncertain significance (2). Last evaluated 2024-10-05.

Allele frequency attached by ClinVar (database versions not stated): gnomAD 0.00001; gnomAD exomes 0.00001; TOPMed 0.00002.
gnomAD v4.1: 8 of 1,594,066 alleles (0.0005%); highest among the groups gnomAD compares: Admixed American, 0.0017%; no homozygotes.

Submissions (2):

Ambry Genetics
Classification: Uncertain significance. Last evaluated: 2024-10-05. Review status: criteria provided, single submitter. Criteria: Ambry Variant Classification Scheme 2023. Collection method: clinical testing. Allele origin: germline.
Comment: The p.W418G variant (also known as c.1252T>G), located in coding exon 11 of the GEN1 gene, results from a T to G substitution at nucleotide position 1252. The tryptophan at codon 418 is replaced by glycine, an amino acid with highly dissimilar properties. This amino acid position is conserved. In addition, this alteration is predicted to be deleterious by in silico analysis. Based on the available evidence, the clinical significance of this variant remains unclear.

Labcorp Genetics (formerly Invitae), Labcorp
Classification: Uncertain significance. Last evaluated: 2022-10-27. Review status: criteria provided, single submitter. Criteria: Invitae Variant Classification Sherloc (09022015). Collection method: clinical testing. Allele origin: germline.
Comment: ClinVar contains an entry for this variant (Variation ID: 1044238). This variant has not been reported in the literature in individuals affected with GEN1-related conditions. This variant is not present in population databases (gnomAD no frequency). This sequence change replaces tryptophan, which is neutral and slightly polar, with glycine, which is neutral and non-polar, at codon 418 of the GEN1 protein (p.Trp418Gly). Algorithms developed to predict the effect of missense changes on protein structure and function are either unavailable or do not agree on the potential impact of this missense change (SIFT: "Deleterious"; PolyPhen-2: "Probably Damaging"; Align-GVGD: "Class C0"). In summary, the available evidence is currently insufficient to determine the role of this variant in disease. Therefore, it has been classified as a Variant of Uncertain Significance.

NM_001130009.3(GEN1):c.1252T>G (p.Trp418Gly)

Gene: GEN1 (GEN1 structure-specific endonuclease; plus strand). Cytogenetic location: 2p24.2.
Variant type: single nucleotide variant.
Coding change: c.1252T>G on transcript NM_001130009.3 (MANE Select); coding-DNA position 1252, T replaced by G.
Protein change: p.Trp418Gly; replaces tryptophan 418 with glycine.
Molecular consequence: missense variant.
Genome position (GRCh38, 1-based): chr2:17,778,051, T>G. VCF-style: chr2-17778051-T-G. GRCh37 (hg19) VCF-style: chr2-17959318-T-G.
Other names: c.1252T>G (NM_001130009.1); c.1252T>G, p.Trp418Gly (NM_182625.5); short protein forms W418G.
Identifiers: ClinVar variation 1044238 (VCV001044238.9), dbSNP rs962142079, ClinGen allele CA43355882.